The following is an entry in ClinVar:

NM_002017.5(FLI1):c.825C>T (p.Asn275=)

Gene: FLI1 (Fli-1 proto-oncogene, ETS transcription factor; plus strand). Cytogenetic location: 11q24.3.
Variant type: single nucleotide variant.
Coding change: c.825C>T on transcript NM_002017.5 (MANE Select); coding-DNA position 825, C replaced by T.
Protein change: p.Asn275=; no amino-acid change (asparagine 275 retained).
Molecular consequence: synonymous variant.
Genome position (GRCh38, 1-based): chr11:128,809,200, C>T. VCF-style: chr11-128809200-C-T. GRCh37 (hg19) VCF-style: chr11-128679095-C-T.
Other names: c.726C>T, p.Asn242= (NM_001167681.3); c.627C>T, p.Asn209= (NM_001271010.2); c.246C>T, p.Asn82= (NM_001271012.2).
Identifiers: ClinVar variation 3046375 (VCV003046375.2), dbSNP rs368505169, ClinGen allele CA6357256.

ClinVar aggregate classification (germline): Likely benign (0 of 4 stars; one submission).

Conditions:
FLI1-related disorder. Also called: FLI1-related condition.

Allele frequency attached by ClinVar (database versions not stated): gnomAD exomes 0.00001; ExAC 0.00001; gnomAD 0.00001; ESP Exome Variant Server 0.00008.
gnomAD v4.1: 18 of 1,613,706 alleles (0.0011%); highest among the groups gnomAD compares: Admixed American, 0.0033%; no homozygotes.

Submission:

PreventionGenetics, part of Exact Sciences
Classification: Likely benign for FLI1-related condition. Last evaluated: 2020-03-19. Review status: no assertion criteria provided. Collection method: clinical testing. Allele origin: germline.
Comment: This variant is classified as likely benign based on ACMG/AMP sequence variant interpretation guidelines (Richards et al. 2015 PMID: 25741868, with internal and published modifications).